The following is an entry in ClinVar:

ClinVar aggregate classification (germline): Benign (1 of 4 stars; one submission).

Allele frequency attached by ClinVar (database versions not stated): gnomAD 0.14510 and 0.15038; TOPMed 0.14877; 1000 Genomes Project 30x 0.16240; 1000 Genomes Project 0.16414.
gnomAD v4.1: 123,934 of 717,306 alleles (17%); highest among the groups gnomAD compares: South Asian, 31%; 12,070 homozygotes.

Submission:

GeneDx
Classification: Benign. Last evaluated: 2018-06-16. Review status: criteria provided, single submitter. Criteria: GeneDx Variant Classification (06012015). Collection method: clinical testing. Allele origin: germline. Affected: yes.
Comment: This variant is considered likely benign or benign based on one or more of the following criteria: it is a conservative change, it occurs at a poorly conserved position in the protein, it is predicted to be benign by multiple in silico algorithms, and/or has population frequency not consistent with disease.

NM_018451.5(CPAP):c.2992-136C>T

Gene: CPAP (centrosome assembly and centriole elongation protein; minus strand). Cytogenetic location: 13q12.12.
Variant type: single nucleotide variant.
Coding change: c.2992-136C>T on transcript NM_018451.5 (MANE Select); 136 bases into the intron before coding-DNA position 2992, C replaced by T.
Molecular consequence: intron variant.
Genome position (GRCh38, 1-based): chr13:24,893,003, G>A on the plus strand (C>T on the coding strand, the complement: CPAP is on the minus strand). VCF-style: chr13-24893003-G-A. GRCh37 (hg19) VCF-style: chr13-25467141-G-A.
Identifiers: ClinVar variation 680297 (VCV000680297.1), dbSNP rs3742166, ClinGen allele CA13827228.